The following is an entry in ClinVar:

ClinVar aggregate classification (germline): Uncertain significance (1 of 4 stars; one submission).

Allele frequency attached by ClinVar (database versions not stated): ExAC 0.00007; gnomAD 0.00007; TOPMed 0.00009; gnomAD exomes 0.00010.
gnomAD v4.1: 159 of 1,614,068 alleles (0.0099%); highest among the groups gnomAD compares: Admixed American, 0.017%; no homozygotes.

Submission:

Ambry Genetics
Classification: Uncertain significance. Last evaluated: 2024-10-04. Review status: criteria provided, single submitter. Criteria: Ambry Variant Classification Scheme 2023. Collection method: clinical testing. Allele origin: germline.
Comment: The p.V1867L variant (also known as c.5599G>C), located in coding exon 6 of the ALPK2 gene, results from a G to C substitution at nucleotide position 5599. The valine at codon 1867 is replaced by leucine, an amino acid with highly similar properties. This amino acid position is conserved. In addition, this alteration is predicted to be tolerated by in silico analysis. Since supporting evidence is limited at this time, the clinical significance of this alteration remains unclear.

NM_052947.4(ALPK2):c.5599G>C (p.Val1867Leu)

Gene: ALPK2 (alpha kinase 2; minus strand). Cytogenetic location: 18q21.31.
Variant type: single nucleotide variant.
Coding change: c.5599G>C on transcript NM_052947.4 (MANE Select); coding-DNA position 5599, G replaced by C.
Protein change: p.Val1867Leu; replaces valine 1867 with leucine.
Molecular consequence: missense variant.
Genome position (GRCh38, 1-based): chr18:58,523,965, C>G on the plus strand (G>C on the coding strand, the complement: ALPK2 is on the minus strand). VCF-style: chr18-58523965-C-G. GRCh37 (hg19) VCF-style: chr18-56191197-C-G.
Other names: short protein forms V1867L.
Identifiers: ClinVar variation 1748521 (VCV001748521.3), dbSNP rs201637680, ClinGen allele CA8976435.